The following is an entry in ClinVar:

NM_001271938.2(MEGF8):c.1724C>T (p.Pro575Leu)

Gene: MEGF8 (multiple EGF like domains 8; plus strand). Cytogenetic location: 19q13.2.
Variant type: single nucleotide variant.
Coding change: c.1724C>T on transcript NM_001271938.2 (MANE Select); coding-DNA position 1724, C replaced by T.
Protein change: p.Pro575Leu; replaces proline 575 with leucine.
Molecular consequence: missense variant.
Genome position (GRCh38, 1-based): chr19:42,344,009, C>T. VCF-style: chr19-42344009-C-T. GRCh37 (hg19) VCF-style: chr19-42848161-C-T.
Other names: c.1724C>T, p.Pro575Leu (NM_001410.3); short protein forms P575L.
Identifiers: ClinVar variation 3046299 (VCV003046299.2), dbSNP rs373575110, ClinGen allele CA9474539.

ClinVar aggregate classification (germline): Uncertain significance (0 of 4 stars; one submission).

Conditions:
MEGF8-related disorder. Also called: MEGF8-related condition.

Allele frequency attached by ClinVar (database versions not stated): TOPMed below 0.00001; ExAC 0.00001; gnomAD exomes 0.00001; ESP Exome Variant Server 0.00008.
gnomAD v4.1: 8 of 1,613,764 alleles (0.0005%); highest among the groups gnomAD compares: East Asian, 0.0022%; no homozygotes.

Submission:

PreventionGenetics, part of Exact Sciences
Classification: Uncertain significance for MEGF8-related condition. Last evaluated: 2023-11-09. Review status: no assertion criteria provided. Collection method: clinical testing. Allele origin: germline.
Comment: The MEGF8 c.1724C>T variant is predicted to result in the amino acid substitution p.Pro575Leu. To our knowledge, this variant has not been reported in the literature. This variant is reported in 0.00088% of alleles in individuals of European (Non-Finnish) descent in gnomAD. At this time, the clinical significance of this variant is uncertain due to the absence of conclusive functional and genetic evidence.